The following is an entry in ClinVar:

NM_001369.3(DNAH5):c.2674del (p.Val892fs)

Genes: DNAH5 (dynein axonemal heavy chain 5; minus strand), DNAH5-AS1 (DNAH5 antisense RNA 1; plus strand). Cytogenetic location: 5p15.2.
Variant type: Deletion.
Coding change: c.2674del on transcript NM_001369.3 (MANE Select); coding-DNA position 2674, one base deleted (G; older notation c.2674delG).
Protein change: p.Val892fs; shifts the reading frame from valine 892.
Molecular consequence: frameshift variant.
Genome position (GRCh38, 1-based): chr5:13,886,033, C deleted on the plus strand (G on the coding strand, the reverse complement: DNAH5 is on the minus strand). VCF-style (leftmost placement, unchanged base first): chr5-13886032-AC-A. GRCh37 (hg19) VCF-style: chr5-13886141-AC-A.
Other names: c.2674delG (NM_001369.2); short protein forms V892fs.
Identifiers: ClinVar variation 1993031 (VCV001993031.5), dbSNP rs1772380356, ClinGen allele CA1073400302.

ClinVar aggregate classification (germline): Pathogenic/Likely pathogenic. Review status: criteria provided, multiple submitters, no conflicts (2 of 4 stars). 2 submissions from 2 submitters: Pathogenic (1); Likely pathogenic (1). Last evaluated 2024-05-02.

Conditions:
Primary ciliary dyskinesia. Also called: Ciliary dyskinesia. Identifiers: Orphanet 244, MedGen C0008780, MONDO:0016575, HP:0012265.

Allele frequency attached by ClinVar (database versions not stated): gnomAD exomes below 0.00001; gnomAD 0.00001.

Submissions (2):

Natera, Inc.
Classification: Likely pathogenic for Primary ciliary dyskinesia. Last evaluated: 2024-05-02. Review status: criteria provided, single submitter. Criteria: Natera Variant Classification Schema (03/2026). Collection method: clinical testing. Allele origin: germline.
Comment: The c.2674delG variant in DNAH5 is a frameshift variant predicted to shift the reading frame beginning at codon 892 and leads to a stop codon 34 codons downstream. This variant is expected to result in nonsense mediated decay, truncation, or a dysfunctional protein product. This variant is rare in the general population with a frequency below the threshold expected for the associated phenotype(s). Given the available evidence, this variant is classified as Likely Pathogenic.

Labcorp Genetics (formerly Invitae), Labcorp
Classification: Pathogenic for Primary ciliary dyskinesia. Last evaluated: 2022-09-28. Review status: criteria provided, single submitter. Criteria: Invitae Variant Classification Sherloc (09022015). Collection method: clinical testing. Allele origin: germline.
Comment: This sequence change creates a premature translational stop signal (p.Val892Phefs*34) in the DNAH5 gene. It is expected to result in an absent or disrupted protein product. Loss-of-function variants in DNAH5 are known to be pathogenic (PMID: 11788826, 16627867). This variant is not present in population databases (gnomAD no frequency). This variant has not been reported in the literature in individuals affected with DNAH5-related conditions. For these reasons, this variant has been classified as Pathogenic.

Literature cited by the submitters: PubMed 11788826 (cited by Labcorp Genetics (formerly Invitae), Labcorp); PubMed 16627867 (cited by Labcorp Genetics (formerly Invitae), Labcorp).